The following is an entry in ClinVar:

ClinVar aggregate classification (germline): Uncertain significance (1 of 4 stars; one submission).

Submission:

Labcorp Genetics (formerly Invitae), Labcorp
Classification: Uncertain significance. Last evaluated: 2022-10-17. Review status: criteria provided, single submitter. Criteria: Invitae Variant Classification Sherloc (09022015). Collection method: clinical testing. Allele origin: germline.
Comment: This sequence change replaces lysine, which is basic and polar, with asparagine, which is neutral and polar, at codon 181 of the CTNNB1 protein (p.Lys181Asn). This variant is not present in population databases (gnomAD no frequency). In summary, the available evidence is currently insufficient to determine the role of this variant in disease. Therefore, it has been classified as a Variant of Uncertain Significance. Advanced modeling of protein sequence and biophysical properties (such as structural, functional, and spatial information, amino acid conservation, physicochemical variation, residue mobility, and thermodynamic stability) performed at Invitae indicates that this missense variant is not expected to disrupt CTNNB1 protein function. ClinVar contains an entry for this variant (Variation ID: 1497608). This variant has not been reported in the literature in individuals affected with CTNNB1-related conditions.

NM_001904.4(CTNNB1):c.543G>C (p.Lys181Asn)

Genes: CTNNB1 (catenin beta 1; plus strand), LOC126806658 (BRD4-independent group 4 enhancer GRCh37_chr3:41265899-41267098; plus strand). Cytogenetic location: 3p22.1.
Variant type: single nucleotide variant.
Coding change: c.543G>C on transcript NM_001904.4 (MANE Select); coding-DNA position 543, G replaced by C.
Protein change: p.Lys181Asn; replaces lysine 181 with asparagine.
Molecular consequence: missense variant.
Genome position (GRCh38, 1-based): chr3:41,225,381, G>C. VCF-style: chr3-41225381-G-C. GRCh37 (hg19) VCF-style: chr3-41266872-G-C.
Other names: c.543G>C, p.Lys181Asn (NM_001098209.2, NM_001098210.2); c.522G>C, p.Lys174Asn (NM_001330729.2); short protein forms K174N, K181N.
Identifiers: ClinVar variation 1497608 (VCV001497608.8), dbSNP rs2125622419, ClinGen allele CA352229541.